The following is an entry in ClinVar:

ClinVar aggregate classification (germline): Pathogenic/Likely pathogenic. Review status: criteria provided, multiple submitters, no conflicts (2 of 4 stars). 8 submissions from 8 submitters: Pathogenic (1); Likely pathogenic (7). Last evaluated 2025-10-13.

Conditions:
Congenital microcephaly - severe encephalopathy - progressive cerebral atrophy syndrome. Also called: Asparagine synthetase deficiency; ASNS DEFICIENCY. Identifiers: Orphanet 391376, MedGen C3809971, MONDO:0014258, OMIM 615574.

Allele frequency attached by ClinVar (database versions not stated): gnomAD exomes 0.00001; TOPMed 0.00002; gnomAD 0.00003 and 0.00002; ExAC 0.00001.

Submissions (8):

Labcorp Genetics (formerly Invitae), Labcorp
Classification: Pathogenic. Last evaluated: 2025-10-13. Review status: criteria provided, single submitter. Criteria: Invitae Variant Classification Sherloc (09022015). Collection method: clinical testing. Allele origin: germline.
Comment: This sequence change replaces asparagine, which is neutral and polar, with serine, which is neutral and polar, at codon 75 of the ASNS protein (p.Asn75Ser). The frequency data for this variant in the population databases is considered unreliable, as metrics indicate poor data quality at this position in the gnomAD database. This missense change has been observed in individuals with asparagine synthetase deficiency (PMID: 29302074, 29405484, 34582790). ClinVar contains an entry for this variant (Variation ID: 1332875). Invitae Evidence Modeling of protein sequence and biophysical properties (such as structural, functional, and spatial information, amino acid conservation, physicochemical variation, residue mobility, and thermodynamic stability) indicates that this missense variant is expected to disrupt ASNS protein function with a positive predictive value of 80%. This variant disrupts the p.Asn75 amino acid residue in ASNS. Other variant(s) that disrupt this residue have been determined to be pathogenic (PMID: 31130284, 32741967). This suggests that this residue is clinically significant, and that variants that disrupt this residue are likely to be disease-causing. For these reasons, this variant has been classified as Pathogenic.

Dasa
Classification: Likely pathogenic for Congenital microcephaly - severe encephalopathy - progressive cerebral atrophy syndrome. Last evaluated: 2025-06-25. Review status: criteria provided, single submitter. Criteria: DASA Assertion Criteria. Collection method: clinical testing. Allele origin: germline.
Comment: NM_001673.5(ASNS):c.224A>G (p.Asn75Ser) is a missense variant that results in the substitution of asparagine with serine. The affected residue or protein region has prior evidence supporting clinical relevance. This variant has been recurrently observed in individuals with ASNS-related disorders (PMID: 29405484; PMID: 35469797; PMID: 31130284). Also, this variant is rare in population databases. Computational evidence supports a deleterious effect. Based on the currently available evidence, this variant is classified as likely pathogenic.

GeneDx
Classification: Likely pathogenic. Last evaluated: 2025-06-11. Review status: criteria provided, single submitter. Criteria: GeneDx Variant Classification Process June 2021. Collection method: clinical testing. Allele origin: germline. Affected: yes.
Comment: Not observed at significant frequency in large population cohorts (gnomAD); In silico analysis supports that this missense variant has a deleterious effect on protein structure/function; This variant is associated with the following publications: (PMID: 33258288, 29302074, 29405484, 35469797, 30214071, 31130284, 32741967, 34582790)

Fulgent Genetics
Classification: Likely pathogenic for Congenital microcephaly - severe encephalopathy - progressive cerebral atrophy syndrome. Last evaluated: 2024-05-16. Review status: criteria provided, single submitter. Criteria: ACMG Guidelines, 2015. Collection method: clinical testing. Allele origin: germline.

3billion
Classification: Likely pathogenic for Congenital microcephaly - severe encephalopathy - progressive cerebral atrophy syndrome. Last evaluated: 2022-03-22. Review status: criteria provided, single submitter. Criteria: ACMG Guidelines, 2015. Collection method: clinical testing. Allele origin: germline. Affected: yes. Observed: 1 homozygote.
Comment: The variant has been reported to be in trans with a pathogenic variant as either compound heterozygous or homozygous in at least one similarly affected unrelated individual(PMID: 29405484). Different pathogenic/likely pathogenic amino acid change has been reported with supporting evidence at the same codon (PMID:30214071). In silico tool predictions suggest damaging effect of the variant on gene or gene product (REVEL: 0.78>=0.6, 3CNET: 0.98>=0.75). A missense variant is a common mechanism associated with Asparagine synthetase deficiency, and the rate of benign missense variants is relatively low. The variant is observed at an extremely low frequency in the gnomAD v2.1.1 dataset (total allele frequency:0.0000159). Therefore, this variant is classified as likely pathogenic according to the recommendation of ACMG/AMP guideline.

Revvity Omics, Revvity
Classification: Likely pathogenic for Congenital microcephaly - severe encephalopathy - progressive cerebral atrophy syndrome. Last evaluated: 2021-11-26. Review status: criteria provided, single submitter. Criteria: ACMG Guidelines, 2015. Collection method: clinical testing. Allele origin: germline.

Kasturba Medical College, Manipal, Kasturba Medical College, Manipal, Manipal Academy of Higher Education, Manipal, India
Classification: Likely pathogenic for Congenital microcephaly - severe encephalopathy - progressive cerebral atrophy syndrome. Review status: criteria provided, single submitter. Criteria: ACMG Guidelines, 2015. Collection method: clinical testing. Allele origin: inherited. Affected: yes.

Neuberg Centre For Genomic Medicine, NCGM
Classification: Likely pathogenic for Congenital microcephaly - severe encephalopathy - progressive cerebral atrophy syndrome. Review status: criteria provided, single submitter. Criteria: ACMG Guidelines, 2015. Collection method: clinical testing. Allele origin: germline. Inheritance: Autosomal recessive inheritance. Affected: yes.
Comment: The missense c.224A>G(p.Asn75Ser) variant in ASNS gene has been reported previously in compound heterozygous or homozygous states in individual(s) affected with Asparagine synthetase deficiency (Liu L, et.al., 2022, Galada C, et.al., 2018). Different pathogenic / likely pathogenic amino acid change has been reported with supporting evidence at the same codon (c. 224A>T p.(Asn75Ile) (Shaheen R, et.al., 2019). Additional functional studies will be required to prove the pathogenicity of this variant. For these reasons, this variant has been classified as Likely Pathogenic

Literature cited by the submitters: PubMed 29302074 (cited by Labcorp Genetics (formerly Invitae), Labcorp); PubMed 29405484 (cited by 3 submitters); PubMed 34582790 (cited by Labcorp Genetics (formerly Invitae), Labcorp); PubMed 31130284 (cited by Labcorp Genetics (formerly Invitae), Labcorp and Dasa); PubMed 32741967 (cited by Labcorp Genetics (formerly Invitae), Labcorp); PubMed 35469797 (cited by Dasa); PubMed 30214071 (cited by 3billion).

NM_001673.5(ASNS):c.224A>G (p.Asn75Ser)

Genes: ASNS (asparagine synthetase (glutamine-hydrolyzing); minus strand), CZ1P-ASNS (CZ1P-ASNS readthrough; minus strand). Cytogenetic location: 7q21.3.
Variant type: single nucleotide variant.
Coding change: c.224A>G on transcript NM_001673.5 (MANE Select); coding-DNA position 224, A replaced by G.
Protein change: p.Asn75Ser; replaces asparagine 75 with serine.
Molecular consequence: missense variant. On other transcripts: non-coding transcript variant (1), intron variant (2).
Genome position (GRCh38, 1-based): chr7:97,868,933, T>C on the plus strand (A>G on the coding strand, the complement: ASNS is on the minus strand). VCF-style: chr7-97868933-T-C. GRCh37 (hg19) VCF-style: chr7-97498245-T-C.
Other names: c.161A>G, p.Asn54Ser (NM_001178075.2); c.224A>G, p.Asn75Ser (NM_001352496.2, NM_133436.3, NM_183356.4); c.-1+3418A>G (NM_001178076.2); c.-1+3108A>G (NM_001178077.1); short protein forms N54S, N75S.
Identifiers: ClinVar variation 1332875 (VCV001332875.15), dbSNP rs747624770, ClinGen allele CA4354823.
Genomic context (GRCh38, chr7:97,868,933, plus strand): 5'-AATCGCATCCAGACATCTGGTTTCTTTCTCCTCACCTTCTTATGGTTGTAGATTTCACCA[T>C]TGTAACAGAGCCACAAATACGGATATTTCTTCACTCGAATTGGCTGCATTCCAAACAGCG-3'
Protein context (NP_001664.3, residues 65-85): KKYPYLWLCY[Asn75Ser]GEIYNHKKMQ